The following is an entry in ClinVar:

ClinVar aggregate classification (germline): Uncertain significance (1 of 4 stars; one submission).

Allele frequency attached by ClinVar (database versions not stated): gnomAD exomes below 0.00001.
gnomAD v4.1: 3 of 1,614,154 alleles (0.00019%); highest among the groups gnomAD compares: Non-Finnish European, 0.00025%; no homozygotes.

Submission:

Labcorp Genetics (formerly Invitae), Labcorp
Classification: Uncertain significance. Last evaluated: 2022-09-07. Review status: criteria provided, single submitter. Criteria: Invitae Variant Classification Sherloc (09022015). Collection method: clinical testing. Allele origin: germline.
Comment: This sequence change replaces threonine, which is neutral and polar, with alanine, which is neutral and non-polar, at codon 1387 of the FN1 protein (p.Thr1387Ala). In summary, the available evidence is currently insufficient to determine the role of this variant in disease. Therefore, it has been classified as a Variant of Uncertain Significance. Algorithms developed to predict the effect of missense changes on protein structure and function are either unavailable or do not agree on the potential impact of this missense change (SIFT: "Not Available"; PolyPhen-2: "Benign"; Align-GVGD: "Not Available"). ClinVar contains an entry for this variant (Variation ID: 1015793). This variant has not been reported in the literature in individuals affected with FN1-related conditions. This variant is not present in population databases (gnomAD no frequency).

NM_212482.4(FN1):c.4159A>G (p.Thr1387Ala)

Genes: FN1 (fibronectin 1; minus strand), LOC126806497 (BRD4-independent group 4 enhancer GRCh37_chr2:216255920-216257119; plus strand). Cytogenetic location: 2q35.
Variant type: single nucleotide variant.
Coding change: c.4159A>G on transcript NM_212482.4 (MANE Select); coding-DNA position 4159, A replaced by G.
Protein change: p.Thr1387Ala; replaces threonine 1387 with alanine.
Molecular consequence: missense variant.
Genome position (GRCh38, 1-based): chr2:215,391,725, T>C on the plus strand (A>G on the coding strand, the complement: FN1 is on the minus strand). VCF-style: chr2-215391725-T-C. GRCh37 (hg19) VCF-style: chr2-216256448-T-C.
Other names: c.4159A>G, p.Thr1387Ala (NM_001306129.2, NM_001306130.2, NM_001365517.2 and 3 more transcripts); c.3886A>G, p.Thr1296Ala (NM_001306131.2, NM_001306132.2, NM_001365518.2 and 7 more transcripts); short protein forms T1296A, T1387A.
Identifiers: ClinVar variation 1015793 (VCV001015793.11), dbSNP rs2059727949, ClinGen allele CA350484224.